The following is an entry in ClinVar:

NM_021625.5(TRPV4):c.74C>A (p.Thr25Asn)

Gene: TRPV4 (transient receptor potential cation channel subfamily V member 4; minus strand). Cytogenetic location: 12q24.11.
Variant type: single nucleotide variant.
Coding change: c.74C>A on transcript NM_021625.5 (MANE Select); coding-DNA position 74, C replaced by A.
Protein change: p.Thr25Asn; replaces threonine 25 with asparagine.
Molecular consequence: missense variant.
Genome position (GRCh38, 1-based): chr12:109,814,723, G>T on the plus strand (C>A on the coding strand, the complement: TRPV4 is on the minus strand). VCF-style: chr12-109814723-G-T. GRCh37 (hg19) VCF-style: chr12-110252528-G-T.
Other names: c.74C>A, p.Thr25Asn (NM_001177428.2, NM_001177431.2, NM_001177433.2 and 1 more transcripts); short protein forms T25N.
Identifiers: ClinVar variation 4761083 (VCV004761083.1).

ClinVar aggregate classification (germline): Uncertain significance (1 of 4 stars; one submission).

Conditions:
Charcot-Marie-Tooth disease axonal type 2C (HMSN2C). Also called: CHARCOT-MARIE-TOOTH DISEASE, AXONAL, AUTOSOMAL DOMINANT, TYPE 2C; Charcot-Marie-Tooth Neuropathy Type 2C; Charcot-Marie-Tooth Disease Type 2, TRPV4-Related (CMT2C). Identifiers: Orphanet 99937, MedGen C1853710, MONDO:0011633, OMIM 606071.

gnomAD v4.1: 2 of 1,600,214 alleles (0.00012%); highest among the groups gnomAD compares: Admixed American, 0.0017%; no homozygotes.

Submission:

Labcorp Genetics (formerly Invitae), Labcorp
Classification: Uncertain significance for Charcot-Marie-Tooth disease axonal type 2C. Last evaluated: 2025-10-28. Review status: criteria provided, single submitter. Criteria: Invitae Variant Classification Sherloc (09022015). Collection method: clinical testing. Allele origin: germline.
Comment: This sequence change replaces threonine, which is neutral and polar, with asparagine, which is neutral and polar, at codon 25 of the TRPV4 protein (p.Thr25Asn). The frequency data for this variant in the population databases is considered unreliable, as metrics indicate poor data quality at this position in the gnomAD database. This variant has not been reported in the literature in individuals affected with TRPV4-related conditions. Invitae Evidence Modeling of protein sequence and biophysical properties (such as structural, functional, and spatial information, amino acid conservation, physicochemical variation, residue mobility, and thermodynamic stability) indicates that this missense variant is not expected to disrupt TRPV4 protein function with a negative predictive value of 95%. In summary, the available evidence is currently insufficient to determine the role of this variant in disease. Therefore, it has been classified as a Variant of Uncertain Significance.